The following is an entry in ClinVar:

ClinVar aggregate classification (germline): Pathogenic/Likely pathogenic. Review status: criteria provided, multiple submitters, no conflicts (2 of 4 stars). 2 submissions from 2 submitters: Pathogenic (1); Likely pathogenic (1). Last evaluated 2023-05-15.

Conditions:
Chédiak-Higashi syndrome (CHS). Also called: Chediak-Higashi Syndrome. Identifiers: Orphanet 167, MedGen C0007965, MONDO:0008963, OMIM 214500.

Submissions (2):

Baylor Genetics
Classification: Likely pathogenic for Chédiak-Higashi syndrome. Last evaluated: 2023-05-15. Review status: criteria provided, single submitter. Criteria: ACMG Guidelines, 2015. Collection method: clinical testing. Allele origin: unknown.

Labcorp Genetics (formerly Invitae), Labcorp
Classification: Pathogenic for Chédiak-Higashi syndrome. Last evaluated: 2022-11-22. Review status: criteria provided, single submitter. Criteria: Invitae Variant Classification Sherloc (09022015). Collection method: clinical testing. Allele origin: germline.
Comment: This sequence change affects a donor splice site in intron 3 of the LYST gene. It is expected to disrupt RNA splicing. Variants that disrupt the donor or acceptor splice site typically lead to a loss of protein function (PMID: 16199547), and loss-of-function variants in LYST are known to be pathogenic (PMID: 9215679, 11857544). This variant is not present in population databases (gnomAD no frequency). Disruption of this splice site has been observed in individual(s) with clinical features of Chediak-Higashi syndrome (Invitae). Algorithms developed to predict the effect of sequence changes on RNA splicing suggest that this variant may disrupt the consensus splice site. For these reasons, this variant has been classified as Pathogenic.

Literature cited by the submitters: PubMed 16199547 (cited by Labcorp Genetics (formerly Invitae), Labcorp); PubMed 9215679 (cited by Labcorp Genetics (formerly Invitae), Labcorp); PubMed 11857544 (cited by Labcorp Genetics (formerly Invitae), Labcorp).

NM_000081.4(LYST):c.192+1G>A

Gene: LYST (lysosomal trafficking regulator; minus strand). Cytogenetic location: 1q42.3.
Variant type: single nucleotide variant.
Coding change: c.192+1G>A on transcript NM_000081.4 (MANE Select); the canonical splice donor site of the intron after coding-DNA position 192, G replaced by A.
Molecular consequence: splice donor variant.
Genome position (GRCh38, 1-based): chr1:235,830,225, C>T on the plus strand (G>A on the coding strand, the complement: LYST is on the minus strand). VCF-style: chr1-235830225-C-T. GRCh37 (hg19) VCF-style: chr1-235993525-C-T.
Other names: c.192+1G>A (NM_001301365.1).
Identifiers: ClinVar variation 2022897 (VCV002022897.5), dbSNP rs2527299680, ClinGen allele CA344968408.
Genomic context (GRCh38, chr1:235,830,225, plus strand): 5'-ATGTAGCTACAGTTAACTATCATATATTGATGAAAGTAAGTATTTGATATAAAAATGTTA[C>T]CTGATCAATTATAGAATTTAGCTTGGTAAGTAATAGAAATCCTCGACCATGGACAAGGTA-3'